The following is an entry in ClinVar:

NM_007294.4(BRCA1):c.3972G>A (p.Met1324Ile)

Genes: BRCA1 (BRCA1 DNA repair associated; minus strand), LOC126862571 (BRD4-independent group 4 enhancer GRCh37_chr17:41243136-41244335; plus strand). Cytogenetic location: 17q21.31.
Variant type: single nucleotide variant.
Coding change: c.3972G>A on transcript NM_007294.4 (MANE Select); coding-DNA position 3972, G replaced by A.
Protein change: p.Met1324Ile; replaces methionine 1324 with isoleucine.
Molecular consequence: missense variant. On other transcripts: intron variant (135).
Genome position (GRCh38, 1-based): chr17:43,091,559, C>T on the plus strand (G>A on the coding strand, the complement: BRCA1 is on the minus strand). VCF-style: chr17-43091559-C-T. GRCh37 (hg19) VCF-style: chr17-41243576-C-T.
Other names: c.3639G>A, p.Met1213Ile (NM_001407957.1, NM_001407946.1, NM_001407947.1 and 6 more transcripts); c.3636G>A, p.Met1212Ile (NM_001407958.1, NM_001407954.1, NM_001407955.1 and 1 more transcripts); c.3591G>A, p.Met1197Ile (NM_001407959.1, NM_001407960.1, NM_001407963.1); c.3588G>A, p.Met1196Ile (NM_001407962.1); c.3828G>A, p.Met1276Ile (NM_001407964.1, NM_001407740.1, NM_001407741.1 and 20 more transcripts); c.3468G>A, p.Met1156Ile (NM_001407965.1); c.3084G>A, p.Met1028Ile (NM_001407966.1, NM_001407967.1); c.1368G>A, p.Met456Ile (NM_001407968.1, NM_001407969.1); and 41 more; short protein forms M1277I, M1324I, M1156I, M1196I, M1297I, M1298I, M456I, M1028I.
Identifiers: ClinVar variation 1053267 (VCV001053267.13), dbSNP rs2053491671, ClinGen allele CA10594025.
Genomic context (GRCh38, chr17:43,091,559, plus strand): 5'-ATCATCTGAAACCAATTCCTTGTCACTCAGACCAACTCCCTGGCTTTCAGACTGATGCCT[C>T]ATTTGTTTGGAAGAACCAATCAAGAAAGGATCCTGGGTGTTTGTATTTGCAGTCAAGTCT-3'
Protein context (NP_009225.1, residues 1314-1334): DPFLIGSSKQ[Met1324Ile]RHQSESQGVG

ClinVar aggregate classification (germline): Conflicting classifications of pathogenicity. Review status: criteria provided, conflicting classifications (1 of 4 stars). 3 submissions from 3 submitters: Uncertain significance (2); Likely benign (1). Last evaluated 2023-10-02.

Conditions:
Hereditary cancer-predisposing syndrome. Also called: Tumor predisposition; Hereditary Cancer Syndrome; Hereditary neoplastic syndrome; Neoplastic Syndromes, Hereditary. Identifiers: Orphanet 140162, MedGen C0027672, MeSH D009386, MONDO:0015356.
Hereditary breast ovarian cancer syndrome. Also called: Hereditary breast and ovarian cancer syndrome; Hereditary breast and ovarian cancer syndrome (HBOC); Breast and ovarian cancer; Hereditary breast and ovarian cancer; Hereditary breast and/or ovarian cancer syndrome; BRCA1- and BRCA2-Associated Hereditary Breast and Ovarian Cancer. Identifiers: Orphanet 145, MedGen C0677776, MeSH D061325, MONDO:0003582. Disease mechanism: loss of function.
Breast-ovarian cancer, familial, susceptibility to, 1 (BROVCA1). Also called: BRCA1 Hereditary Breast and Ovarian Cancer; OVARIAN CANCER, SUSCEPTIBILITY TO. Identifiers: Orphanet 145, MedGen C2676676, MONDO:0011450, OMIM 604370. Disease mechanism: loss of function.

Submissions (3):

All of Us Research Program, National Institutes of Health
Classification: Uncertain significance for Breast-ovarian cancer, familial, susceptibility to, 1. Last evaluated: 2023-10-02. Review status: criteria provided, single submitter. Criteria: ACMG Guidelines, 2015. Collection method: clinical testing. Allele origin: germline. Inheritance: Autosomal dominant inheritance. Observed: 1 variant allele, 1 heterozygote.
Comment: This missense variant replaces methionine with isoleucine at codon 1324 of the BRCA1 protein. Computational prediction suggests that this variant may not impact protein structure and function (internally defined REVEL score threshold <= 0.5, PMID: 27666373). To our knowledge, functional studies have not been reported for this variant. This variant has not been reported in individuals affected with BRCA1-related disorders in the literature. This variant has not been identified in the general population by the Genome Aggregation Database (gnomAD). The available evidence is insufficient to determine the role of this variant in disease conclusively. Therefore, this variant is classified as a Variant of Uncertain Significance.

This study involves interpretation of variants in research participants for the purpose of population health screening. Participant phenotype was not available at the time of variant classification. Additional details can be found in publication PMID: 35346344, PMCID: PMC8962531

University of Washington Department of Laboratory Medicine, University of Washington
Classification: Likely benign for Hereditary cancer-predisposing syndrome. Last evaluated: 2023-03-23. Review status: criteria provided, single submitter. Criteria: Dines et al. (Genet Med. 2020). Collection method: curation. Allele origin: germline.
Comment: Missense variant in a coldspot region where missense variants are very unlikely to be pathogenic (PMID:31911673).

BRCA1 coldspot (exon 11 using historical exon numbering). Reclassification based on statistical prior probability

Labcorp Genetics (formerly Invitae), Labcorp
Classification: Uncertain significance for Hereditary breast ovarian cancer syndrome. Last evaluated: 2020-09-30. Review status: criteria provided, single submitter. Criteria: Invitae Variant Classification Sherloc (09022015). Collection method: clinical testing. Allele origin: germline.
Comment: This variant is not present in population databases (ExAC no frequency). This sequence change replaces methionine with isoleucine at codon 1324 of the BRCA1 protein (p.Met1324Ile). The methionine residue is weakly conserved and there is a small physicochemical difference between methionine and isoleucine. This variant has not been reported in the literature in individuals with BRCA1-related conditions. Advanced modeling of protein sequence and biophysical properties (such as structural, functional, and spatial information, amino acid conservation, physicochemical variation, residue mobility, and thermodynamic stability) performed at Invitae indicates that this missense variant is not expected to disrupt BRCA1 protein function. In summary, the available evidence is currently insufficient to determine the role of this variant in disease. Therefore, it has been classified as a Variant of Uncertain Significance.